The following is an entry in ClinVar:

NM_015915.5(ATL1):c.1551+11C>G

Gene: ATL1 (atlastin GTPase 1; plus strand). Cytogenetic location: 14q22.1.
Variant type: single nucleotide variant.
Coding change: c.1551+11C>G on transcript NM_015915.5 (MANE Select); 11 bases into the intron after coding-DNA position 1551, C replaced by G.
Molecular consequence: intron variant.
Genome position (GRCh38, 1-based): chr14:50,628,473, C>G. VCF-style: chr14-50628473-C-G. GRCh37 (hg19) VCF-style: chr14-51095191-C-G.
Other names: c.1551+11C>G (NM_001127713.1, NM_181598.4).
Identifiers: ClinVar variation 668319 (VCV000668319.8), dbSNP rs894699234, ClinGen allele CA260795089.

ClinVar aggregate classification (germline): Likely benign. Review status: criteria provided, multiple submitters, no conflicts (2 of 4 stars). 2 submissions from 2 submitters: Likely benign (2). Last evaluated 2024-09-02.

Conditions:
Hereditary spastic paraplegia 3A (SPG3A). Also called: SPASTIC PARAPLEGIA 3, AUTOSOMAL DOMINANT; FAMILIAL SPASTIC PARAPLEGIA, AUTOSOMAL DOMINANT, 1; SPG3; STRUMPELL DISEASE; Spastic Paraplegia 3A; Spastic paraplegia 3A, autosomal dominant. Identifiers: Orphanet 100984, MedGen C2931355, MONDO:0008437, OMIM 182600.

Allele frequency attached by ClinVar (database versions not stated): gnomAD exomes 0.00001; gnomAD 0.00002 and 0.00003; TOPMed 0.00002.
gnomAD v4.1: 41 of 1,612,790 alleles (0.0025%); highest among the groups gnomAD compares: Non-Finnish European, 0.0034%; no homozygotes.

Submissions (2):

Labcorp Genetics (formerly Invitae), Labcorp
Classification: Likely benign for Hereditary spastic paraplegia 3A. Last evaluated: 2024-09-02. Review status: criteria provided, single submitter. Criteria: Invitae Variant Classification Sherloc (09022015). Collection method: clinical testing. Allele origin: germline.

GeneDx
Classification: Likely benign. Last evaluated: 2018-05-18. Review status: criteria provided, single submitter. Criteria: GeneDx Variant Classification (06012015). Collection method: clinical testing. Allele origin: germline. Affected: yes.
Comment: This variant is considered likely benign or benign based on one or more of the following criteria: it is a conservative change, it occurs at a poorly conserved position in the protein, it is predicted to be benign by multiple in silico algorithms, and/or has population frequency not consistent with disease.